The following is an entry in ClinVar:

NM_000372.5(TYR):c.1392dup (p.Lys465Ter)

Gene: TYR (tyrosinase; plus strand). Cytogenetic location: 11q14.3.
Variant type: Duplication.
Coding change: c.1392dup on transcript NM_000372.5 (MANE Select); coding-DNA position 1392, one base duplicated (T; older notation c.1392dupT).
Protein change: p.Lys465Ter; replaces lysine 465 with a stop codon.
Molecular consequence: nonsense.
Genome position (GRCh38, 1-based): chr11:89,295,168, T duplicated; the last of 2 consecutive T bases (chr11:89,295,167-89,295,168); duplicating either gives the same sequence. VCF-style (leftmost placement, unchanged base first): chr11-89295166-A-AT. GRCh37 (hg19) VCF-style: chr11-89028334-A-AT.
Other names: c.1392dup (NM_000372.4); short protein forms K465*.
Identifiers: ClinVar variation 497973 (VCV000497973.10), dbSNP rs1555100853, ClinGen allele CA658797714.

ClinVar aggregate classification (germline): Pathogenic/Likely pathogenic. Review status: criteria provided, multiple submitters, no conflicts (2 of 4 stars). 6 submissions from 6 submitters: Pathogenic (1); Likely pathogenic (5). Last evaluated 2025-01-13.

Conditions:
SKIN/HAIR/EYE PIGMENTATION 3, LIGHT/DARK SKIN (SHEP3). Also called: EYE COLOR 1; EYE COLOR, GREEN/BLUE; SKIN/HAIR/EYE PIGMENTATION, VARIATION IN, 3; SKIN/HAIR/EYE PIGMENTATION 3, BLUE/GREEN EYE COLOR; SKIN/HAIR/EYE PIGMENTATION 3, FRECKLING. Identifiers: MedGen C2677190, OMIM 601800.
Oculocutaneous albinism type 1A (OCA1A). Also called: Albinism, oculocutaneous, type IA. Identifiers: Orphanet 352731, Orphanet 79431, MedGen C4551504, MONDO:0008745, OMIM 203100. Disease mechanism: loss of function.
Oculocutaneous albinism type 1B (OCA1B). Also called: ALBINISM, OCULOCUTANEOUS, TYPE IB; ALBINISM, YELLOW MUTANT TYPE; YELLOW ALBINISM. Identifiers: Orphanet 352731, Orphanet 352737, Orphanet 79434, MedGen C1847024, MONDO:0011749, OMIM 606952.
TYR-related disorder. Also called: TYR-related condition.
Oculocutaneous albinism type 1. Also called: Albinism 1; ALBINISM I. Identifiers: Orphanet 352731, MedGen C0268494, MONDO:0018135. Disease mechanism: loss of function.

Submissions (6):

GeneDx
Classification: Likely pathogenic. Last evaluated: 2025-01-13. Review status: criteria provided, single submitter. Criteria: GeneDx Variant Classification Process June 2021. Collection method: clinical testing. Allele origin: germline. Affected: yes.
Comment: Nonsense variant predicted to result in protein truncation, as the last 65 amino acids are lost, and other loss-of-function variants have been reported downstream in HGMD; Not observed at significant frequency in large population cohorts (gnomAD); This variant is associated with the following publications: (PMID: 28976636, 31719542, 28451379, Mighton[thesis]2024)

Baylor Genetics
Classification: Pathogenic for SKIN/HAIR/EYE PIGMENTATION 3, LIGHT/DARK SKIN. Last evaluated: 2024-02-08. Review status: criteria provided, single submitter. Criteria: ACMG Guidelines, 2015. Collection method: clinical testing. Allele origin: unknown.

Blueprint Genetics
Classification: Likely pathogenic for TYR-related disorders. Last evaluated: 2023-06-12. Review status: criteria provided, single submitter. Criteria: ACMG Guidelines, 2015. Collection method: clinical testing. Allele origin: germline. Affected: yes. Observed: 2 variant alleles.

Fulgent Genetics
Classification: Likely pathogenic for Oculocutaneous albinism type 1A; SKIN/HAIR/EYE PIGMENTATION 3, LIGHT/DARK SKIN; Oculocutaneous albinism type 1B. Last evaluated: 2022-05-23. Review status: criteria provided, single submitter. Criteria: ACMG Guidelines, 2015. Collection method: clinical testing. Allele origin: unknown.

Department of Pathology and Laboratory Medicine, Sinai Health System
Classification: Likely pathogenic for oculocutaneous albinism type 1. Last evaluated: 2021-08-25. Review status: criteria provided, single submitter. Criteria: ACMG Guidelines, 2015. Collection method: research. Allele origin: germline.

Eurofins Ntd Llc (ga)
Classification: Likely pathogenic. Last evaluated: 2016-10-27. Review status: criteria provided, single submitter. Criteria: EGL Classification Definitions 2015. Collection method: clinical testing. Allele origin: germline.